The following is an entry in ClinVar:

ClinVar aggregate classification (germline): Likely benign. Review status: criteria provided, multiple submitters, no conflicts (2 of 4 stars). 6 submissions from 6 submitters: Likely benign (6). Last evaluated 2026-01-18.

Conditions:
Cardiovascular phenotype. Identifiers: MedGen CN230736.
Cardiomyopathy (CMYO). Also called: Cardiomyopathies. Identifiers: Orphanet 167848, MedGen C0878544, MONDO:0004994, HP:0001638. Inheritance: Various modes of inheritance.
MYH7-related disorder. Also called: MYH7-related condition; MYH7-related disease; MYH7-related disorders.
Hypertrophic cardiomyopathy. Also called: HYPERTROPHIC MYOCARDIOPATHY. Identifiers: Orphanet 217569, MedGen C0007194, MeSH D002312, MONDO:0005045, HP:0001639.

Allele frequency attached by ClinVar (database versions not stated): ExAC 0.00001; gnomAD exomes 0.00001; gnomAD 0.00006; 1000 Genomes Project 30x 0.00016; TOPMed 0.00018; 1000 Genomes Project 0.00020.
gnomAD v4.1: 15 of 1,614,120 alleles (0.00093%); highest among the groups gnomAD compares: Admixed American, 0.013%; no homozygotes.

Submissions (6):

Labcorp Genetics (formerly Invitae), Labcorp
Classification: Likely benign for Hypertrophic cardiomyopathy. Last evaluated: 2026-01-18. Review status: criteria provided, single submitter. Criteria: Invitae Variant Classification Sherloc (09022015). Collection method: clinical testing. Allele origin: germline.

PreventionGenetics, part of Exact Sciences
Classification: Likely benign for MYH7-related condition. Last evaluated: 2025-02-18. Review status: criteria provided, single submitter. Criteria: ACMG Guidelines, 2015. Collection method: clinical testing. Allele origin: germline.
Comment: This variant is classified as likely benign based on ACMG/AMP sequence variant interpretation guidelines (Richards et al. 2015 PMID: 25741868, with internal and published modifications).

All of Us Research Program, National Institutes of Health
Classification: Likely benign for Cardiomyopathy. Last evaluated: 2024-08-29. Review status: criteria provided, single submitter. Criteria: ACMG Guidelines, 2015. Collection method: clinical testing. Allele origin: germline. Inheritance: Autosomal dominant inheritance. Observed: 10 variant alleles, 10 heterozygotes.
Comment: This study involves interpretation of variants in research participants for the purpose of population health screening. Participant phenotype was not available at the time of variant classification. Additional details can be found in publication PMID: 35346344, PMCID: PMC8962531

Ambry Genetics
Classification: Likely benign for Cardiovascular phenotype. Last evaluated: 2019-07-23. Review status: criteria provided, single submitter. Criteria: Ambry Variant Classification Scheme 2023. Collection method: clinical testing. Allele origin: germline.

GeneDx
Classification: Likely benign. Last evaluated: 2019-06-13. Review status: criteria provided, single submitter. Criteria: GeneDx Variant Classification Process June 2021. Collection method: clinical testing. Allele origin: germline. Affected: yes.

Color Diagnostics, LLC DBA Color Health
Classification: Likely benign for Cardiomyopathy. Last evaluated: 2018-11-30. Review status: criteria provided, single submitter. Criteria: ACMG Guidelines, 2015. Collection method: clinical testing. Allele origin: germline.

NM_000257.4(MYH7):c.456C>G (p.Pro152=)

Gene: MYH7 (myosin heavy chain 7; minus strand). Cytogenetic location: 14q11.2.
Variant type: single nucleotide variant.
Coding change: c.456C>G on transcript NM_000257.4 (MANE Select); coding-DNA position 456, C replaced by G.
Protein change: p.Pro152=; no amino-acid change (proline 152 retained).
Molecular consequence: synonymous variant.
Genome position (GRCh38, 1-based): chr14:23,432,685, G>C on the plus strand (C>G on the coding strand, the complement: MYH7 is on the minus strand). VCF-style: chr14-23432685-G-C. GRCh37 (hg19) VCF-style: chr14-23901894-G-C.
Identifiers: ClinVar variation 669028 (VCV000669028.20), dbSNP rs554968385, ClinGen allele CA042929.